The following is an entry in ClinVar:

NM_004415.4(DSP):c.3368GAA[2] (p.Arg1125del)

Gene: DSP (desmoplakin; plus strand). Cytogenetic location: 6p24.3.
Variant type: Microsatellite.
Coding change: c.3368GAA[2] on transcript NM_004415.4 (MANE Select); two copies in a row of the 3-base unit GAA starting at c.3368; the reference has three copies in a row; one copy, 3 bases deleted.
Protein change: p.Arg1125del; deletes arginine 1125.
Molecular consequence: inframe deletion.
Genome position (GRCh38, 1-based): chr6:7,579,564-7,579,566, GAA deleted; deleting any 3 consecutive bases within chr6:7,579,557-7,579,566 gives the same sequence; the position shown is the placement nearest the transcript's 3' end. VCF-style (leftmost placement, unchanged base first): chr6-7579556-GAGA-G. GRCh37 (hg19) VCF-style: chr6-7579789-GAGA-G.
Other names: c.3368GAA[2], p.Arg1125del (NM_001008844.3, NM_001319034.2); c.3374_3376delGAA (NM_004415.2); short protein forms R1125del.
Identifiers: ClinVar variation 1018579 (VCV001018579.10), dbSNP rs1405952840, ClinGen allele CA828077130.

ClinVar aggregate classification (germline): Uncertain significance. Review status: criteria provided, multiple submitters, no conflicts (2 of 4 stars). 2 submissions from 2 submitters: Uncertain significance (2). Last evaluated 2025-10-13.

Conditions:
Cardiovascular phenotype. Identifiers: MedGen CN230736.
Arrhythmogenic right ventricular dysplasia 8 (ARVD8). Also called: ARRHYTHMOGENIC RIGHT VENTRICULAR DYSPLASIA, FAMILIAL, 8; Arrhythmogenic Right Ventricular Dysplasia/Cardiomyopathy 8; ARRHYTHMOGENIC RIGHT VENTRICULAR CARDIOMYOPATHY 8. Identifiers: MedGen C1843896, MONDO:0011831, OMIM 607450.
Arrhythmogenic cardiomyopathy with wooly hair and keratoderma. Also called: Dilated cardiomyopathy with woolly hair and keratoderma; Carvajal syndrome; Arrhythmogenic cardiomyopathy with woolly hair and keratoderma; PALMOPLANTAR KERATODERMA WITH LEFT VENTRICULAR CARDIOMYOPATHY AND WOOLLY HAIR. Identifiers: Orphanet 65282, MedGen C1854063, MONDO:0011581, OMIM 605676.

Submissions (2):

Labcorp Genetics (formerly Invitae), Labcorp
Classification: Uncertain significance for Arrhythmogenic cardiomyopathy with wooly hair and keratoderma; Arrhythmogenic right ventricular dysplasia 8. Last evaluated: 2025-10-13. Review status: criteria provided, single submitter. Criteria: Invitae Variant Classification Sherloc (09022015). Collection method: clinical testing. Allele origin: germline.
Comment: This variant, c.3374_3376del, results in the deletion of 1 amino acid(s) of the DSP protein (p.Arg1125del), but otherwise preserves the integrity of the reading frame. This variant is not present in population databases (gnomAD no frequency). This variant has not been reported in the literature in individuals affected with DSP-related conditions. Experimental studies and prediction algorithms are not available or were not evaluated, and the functional significance of this variant is currently unknown. In summary, the available evidence is currently insufficient to determine the role of this variant in disease. Therefore, it has been classified as a Variant of Uncertain Significance.

Ambry Genetics
Classification: Uncertain significance for Cardiovascular phenotype. Last evaluated: 2024-04-23. Review status: criteria provided, single submitter. Criteria: Ambry Variant Classification Scheme 2023. Collection method: clinical testing. Allele origin: germline.
Comment: The c.3374_3376delGAA variant (also known as p.R1125del) is located in coding exon 23 of the DSP gene. This variant results from an in-frame GAA deletion at nucleotide positions 3374 to 3376. This results in the in-frame deletion of an arginine at codon 1125. This amino acid position is well conserved in available vertebrate species. In addition, this alteration is predicted to be deleterious by in silico analysis (Choi Y et al. PLoS ONE. 2012; 7(10):e46688). Based on the available evidence, the clinical significance of this variant remains unclear.